The following is an entry in ClinVar:

NM_213599.3(ANO5):c.989T>A (p.Leu330Ter)

Gene: ANO5 (anoctamin 5; plus strand). Cytogenetic location: 11p14.3.
Variant type: single nucleotide variant.
Coding change: c.989T>A on transcript NM_213599.3 (MANE Select); coding-DNA position 989, T replaced by A.
Protein change: p.Leu330Ter; replaces leucine 330 with a stop codon.
Molecular consequence: nonsense.
Genome position (GRCh38, 1-based): chr11:22,250,347, T>A. VCF-style: chr11-22250347-T-A. GRCh37 (hg19) VCF-style: chr11-22271893-T-A.
Other names: c.986T>A, p.Leu329Ter (NM_001142649.2); short protein forms L329*, L330*.
Identifiers: ClinVar variation 1455578 (VCV001455578.6), dbSNP rs373814281, ClinGen allele CA379920873.

ClinVar aggregate classification (germline): Pathogenic (1 of 4 stars; one submission).

Conditions:
Gnathodiaphyseal dysplasia (GDD). Also called: GNATHODIAPHYSEAL SCLEROSIS; OSTEOGENESIS IMPERFECTA WITH UNUSUAL SKELETAL LESIONS. Identifiers: Orphanet 53697, MedGen C1833736, MONDO:0008151, OMIM 166260.
Autosomal recessive limb-girdle muscular dystrophy type 2L (LGMDR12). Also called: Limb-girdle muscular dystrophy, type 2L; Limb-Girdle Muscular Dystrophy R12 Anoctamin-5-Related (LGMD-R12); MUSCULAR DYSTROPHY, LIMB-GIRDLE, AUTOSOMAL RECESSIVE 12. Identifiers: Orphanet 206549, MedGen C1969785, MONDO:0012652, OMIM 611307.

Submission:

Labcorp Genetics (formerly Invitae), Labcorp
Classification: Pathogenic for Autosomal recessive limb-girdle muscular dystrophy type 2L; Gnathodiaphyseal dysplasia. Last evaluated: 2025-08-18. Review status: criteria provided, single submitter. Criteria: Invitae Variant Classification Sherloc (09022015). Collection method: clinical testing. Allele origin: germline.
Comment: This sequence change creates a premature translational stop signal (p.Leu330*) in the ANO5 gene. It is expected to result in an absent or disrupted protein product. Loss-of-function variants in ANO5 are known to be pathogenic (PMID: 21186264, 23606453, 25891276, 30919934). This variant is not present in population databases (gnomAD no frequency). This variant has not been reported in the literature in individuals affected with ANO5-related conditions. ClinVar contains an entry for this variant (Variation ID: 1455578). For these reasons, this variant has been classified as Pathogenic.

Literature cited by the submitters: PubMed 21186264; PubMed 23606453; PubMed 25891276; PubMed 30919934.